The following is an entry in ClinVar:

ClinVar aggregate classification (germline): Likely benign (1 of 4 stars; one submission).

Submission:

CeGaT Center for Human Genetics Tuebingen
Classification: Likely benign. Last evaluated: 2022-07-01. Review status: criteria provided, single submitter. Criteria: CeGaT Center For Human Genetics Tuebingen Variant Classification Criteria Version 2. Collection method: clinical testing. Allele origin: germline. Affected: yes. Observed: 1 variant allele.
Comment: ATP2B4: PM2:Supporting, BP4, BP7

NM_001684.5(ATP2B4):c.2088A>T (p.Thr696=)

Gene: ATP2B4 (ATPase plasma membrane Ca2+ transporting 4; plus strand). Cytogenetic location: 1q32.1.
Variant type: single nucleotide variant.
Coding change: c.2088A>T on transcript NM_001684.5 (MANE Select); coding-DNA position 2088, A replaced by T.
Protein change: p.Thr696=; no amino-acid change (threonine 696 retained).
Molecular consequence: synonymous variant.
Genome position (GRCh38, 1-based): chr1:203,712,016, A>T. VCF-style: chr1-203712016-A-T. GRCh37 (hg19) VCF-style: chr1-203681144-A-T.
Other names: c.2088A>T, p.Thr696= (NM_001001396.3, NM_001365783.2, NM_001365784.2).
Identifiers: ClinVar variation 2639820 (VCV002639820.24), dbSNP rs759927803, ClinGen allele CA422829949.